The following is an entry in ClinVar:

ClinVar aggregate classification (germline): Pathogenic (1 of 4 stars; one submission).

Conditions:
Tuberous sclerosis 2 (TSC2). Identifiers: Orphanet 805, MedGen C1860707, MONDO:0013199, OMIM 613254.

Submission:

Labcorp Genetics (formerly Invitae), Labcorp
Classification: Pathogenic for Tuberous sclerosis 2. Last evaluated: 2016-08-08. Review status: criteria provided, single submitter. Criteria: Invitae Variant Classification Sherloc (09022015). Collection method: clinical testing. Allele origin: germline.
Comment: For these reasons, this variant has been classified as Pathogenic. While this particular variant has not been reported in the literature, loss-of-function variants in TSC2 are known to be pathogenic (PMID: 10205261, 17304050). This sequence change delete 7 nucleotide in exon 38 of the TSC2 mRNA (c.4951_4957delAATGACT), causing a frameshift at codon 1651. This creates a premature translational stop signal (p.Asn1651Profs*19) and is expected to result in an absent or disrupted protein product.

Literature cited by the submitters: PubMed 10205261; PubMed 17304050.

NM_000548.5(TSC2):c.4951_4957del (p.Asn1651fs)

Gene: TSC2 (TSC complex subunit 2; plus strand). Cytogenetic location: 16p13.3.
Variant type: Deletion.
Coding change: c.4951_4957del on transcript NM_000548.5 (MANE Select); coding-DNA positions 4951 to 4957, 7 bases deleted (AATGACT; older notation c.4951_4957delAATGACT).
Protein change: p.Asn1651fs; shifts the reading frame from asparagine 1651.
Molecular consequence: frameshift variant.
Genome position (GRCh38, 1-based): chr16:2,086,833-2,086,839, AATGACT deleted. VCF-style (leftmost placement, unchanged base first): chr16-2086832-CAATGACT-C. GRCh37 (hg19) VCF-style: chr16-2136833-CAATGACT-C.
Other names: c.4750_4756del, p.Asn1584fs (NM_001077183.3); c.4882_4888del, p.Asn1628fs (NM_001114382.3); c.4642_4648del, p.Asn1548fs (NM_001318827.2); c.4606_4612del, p.Asn1536fs (NM_001318829.2); c.4219_4225del, p.Asn1407fs (NM_001318831.2); c.4783_4789del, p.Asn1595fs (NM_001318832.2); c.4753_4759del, p.Asn1585fs (NM_001363528.2); c.4819_4825del, p.Asn1607fs (NM_001370404.1); and 1 more; short protein forms N1407fs, N1584fs, N1595fs, N1536fs, N1585fs, N1548fs, N1607fs, N1628fs.
Identifiers: ClinVar variation 406053 (VCV000406053.7), dbSNP rs1060500950, ClinGen allele CA16615180.